The following is an entry in ClinVar:

ClinVar aggregate classification (germline): Uncertain significance. Review status: criteria provided, multiple submitters, no conflicts (2 of 4 stars). 2 submissions from 2 submitters: Uncertain significance (2). Last evaluated 2025-04-01.

Conditions:
Dilated Cardiomyopathy, Dominant.
Distal myopathy with posterior leg and anterior hand involvement. Also called: WILLIAMS DISTAL MYOPATHY. Identifiers: Orphanet 63273, MedGen C3279722, MONDO:0013550, OMIM 614065.
Hypertrophic cardiomyopathy 26. Also called: Cardiomyopathy, familial hypertrophic, 26. Identifiers: Orphanet 75249, MedGen C4310749, MONDO:0014883, OMIM 617047.
Myofibrillar myopathy 5. Also called: Filaminopathy (type); FILAMINOPATHY, AUTOSOMAL DOMINANT. Identifiers: Orphanet 171445, MedGen C1836050, MONDO:0012289, OMIM 609524.

Allele frequency attached by ClinVar (database versions not stated): TOPMed 0.00002.
gnomAD v4.1: 15 of 1,613,470 alleles (0.00093%); highest among the groups gnomAD compares: African/African-American, 0.0013%; no homozygotes.

Submissions (2):

Mayo Clinic Laboratories, Mayo Clinic
Classification: Uncertain significance. Last evaluated: 2025-04-01. Review status: criteria provided, single submitter. Criteria: ACMG Guidelines, 2015. Collection method: clinical testing. Allele origin: germline. Observed: 1 variant allele.
Comment: PP3, PM2_supporting

Labcorp Genetics (formerly Invitae), Labcorp
Classification: Uncertain significance for Distal myopathy with posterior leg and anterior hand involvement; Myofibrillar myopathy 5; Hypertrophic cardiomyopathy 26. Last evaluated: 2023-09-12. Review status: criteria provided, single submitter. Criteria: Invitae Variant Classification Sherloc (09022015). Collection method: clinical testing. Allele origin: germline.
Comment: In summary, the available evidence is currently insufficient to determine the role of this variant in disease. Therefore, it has been classified as a Variant of Uncertain Significance. Advanced modeling of protein sequence and biophysical properties (such as structural, functional, and spatial information, amino acid conservation, physicochemical variation, residue mobility, and thermodynamic stability) has been performed at Invitae for this missense variant, however the output from this modeling did not meet the statistical confidence thresholds required to predict the impact of this variant on FLNC protein function. ClinVar contains an entry for this variant (Variation ID: 857747). This variant has not been reported in the literature in individuals affected with FLNC-related conditions. This variant is not present in population databases (gnomAD no frequency). This sequence change replaces valine, which is neutral and non-polar, with methionine, which is neutral and non-polar, at codon 1560 of the FLNC protein (p.Val1560Met).

NM_001458.5(FLNC):c.4678G>A (p.Val1560Met)

Gene: FLNC (filamin C; plus strand). Cytogenetic location: 7q32.1.
Variant type: single nucleotide variant.
Coding change: c.4678G>A on transcript NM_001458.5 (MANE Select); coding-DNA position 4678, G replaced by A.
Protein change: p.Val1560Met; replaces valine 1560 with methionine.
Molecular consequence: missense variant.
Genome position (GRCh38, 1-based): chr7:128,848,658, G>A. VCF-style: chr7-128848658-G-A. GRCh37 (hg19) VCF-style: chr7-128488712-G-A.
Other names: p.Val1560Met; c.4678G>A, p.Val1560Met (NM_001127487.2); short protein forms V1560M.
Identifiers: ClinVar variation 857747 (VCV000857747.8), dbSNP rs1351915127, ClinGen allele CA369202713.